The following is an entry in ClinVar:

ClinVar aggregate classification (germline): Uncertain significance. Review status: criteria provided, multiple submitters, no conflicts (2 of 4 stars). 2 submissions from 2 submitters: Uncertain significance (2). Last evaluated 2024-03-06.

Conditions:
Cardiomyopathy (CMYO). Also called: Cardiomyopathies. Identifiers: Orphanet 167848, MedGen C0878544, MONDO:0004994, HP:0001638. Inheritance: Various modes of inheritance.

Allele frequency attached by ClinVar (database versions not stated): TOPMed below 0.00001; gnomAD 0.00001; gnomAD exomes 0.00001.
gnomAD v4.1: 12 of 1,614,050 alleles (0.00074%); highest among the groups gnomAD compares: Non-Finnish European, 0.001%; no homozygotes.

Submissions (2):

Color Diagnostics, LLC DBA Color Health
Classification: Uncertain significance for Cardiomyopathy. Last evaluated: 2024-03-06. Review status: criteria provided, single submitter. Criteria: ACMG Guidelines, 2015. Collection method: clinical testing. Allele origin: germline.
Comment: This missense variant replaces threonine with isoleucine at codon 34 of the MYL2 protein. Computational prediction suggests that this variant may not impact protein structure and function (internally defined REVEL score threshold <= 0.5, PMID: 27666373). Splice site prediction tools suggest that this variant may not impact RNA splicing. To our knowledge, functional studies have not been performed for this variant. This variant has not been reported in individuals affected with cardiovascular disorders in the literature. This variant has not been identified in the general population by the Genome Aggregation Database (gnomAD). The available evidence is insufficient to determine the role of this variant in disease conclusively. Therefore, this variant is classified as a Variant of Uncertain Significance.

Laboratory for Molecular Medicine, Mass General Brigham Personalized Medicine
Classification: Uncertain significance. Last evaluated: 2021-03-30. Review status: criteria provided, single submitter. Criteria: LMM Criteria. Collection method: clinical testing. Allele origin: germline. Observed: 1 variant allele.
Comment: The p.Thr34Ile variant in MYL2 has not been previously reported in individuals with cardiomyopathy and was absent from large population studies. Computational prediction tools and conservation analyses do not provide strong support for or against an impact to the protein. In summary, the clinical significance of this variant is uncertain. ACMG/AMP Criteria applied: PM2_Supporting.

NM_000432.4(MYL2):c.101C>T (p.Thr34Ile)

Gene: MYL2 (myosin light chain 2; minus strand). Cytogenetic location: 12q24.11.
Variant type: single nucleotide variant.
Coding change: c.101C>T on transcript NM_000432.4 (MANE Select); coding-DNA position 101, C replaced by T.
Protein change: p.Thr34Ile; replaces threonine 34 with isoleucine.
Molecular consequence: missense variant.
Genome position (GRCh38, 1-based): chr12:110,915,783, G>A on the plus strand (C>T on the coding strand, the complement: MYL2 is on the minus strand). VCF-style: chr12-110915783-G-A. GRCh37 (hg19) VCF-style: chr12-111353587-G-A.
Other names: short protein forms T34I.
Identifiers: ClinVar variation 228932 (VCV000228932.9), dbSNP rs876657894, ClinGen allele CA10576906.